The following is an entry in ClinVar:

ClinVar aggregate classification (germline): Uncertain significance (1 of 4 stars; one submission).

Conditions:
Nemaline myopathy 2 (NEM2). Also called: Nemaline myopathy 2, autosomal recessive. Identifiers: MedGen C1850569, MONDO:0009725, OMIM 256030.

Submission:

Labcorp Genetics (formerly Invitae), Labcorp
Classification: Uncertain significance for Nemaline myopathy 2. Last evaluated: 2021-10-06. Review status: criteria provided, single submitter. Criteria: Invitae Variant Classification Sherloc (09022015). Collection method: clinical testing. Allele origin: germline.
Comment: In summary, the available evidence is currently insufficient to determine the role of this variant in disease. Therefore, it has been classified as a Variant of Uncertain Significance. Algorithms developed to predict the effect of sequence changes on RNA splicing suggest that this variant may disrupt the consensus splice site. This variant has not been reported in the literature in individuals affected with NEB-related conditions. This variant is not present in population databases (ExAC no frequency). This sequence change falls in intron 108 of the NEB gene. It does not directly change the encoded amino acid sequence of the NEB protein.

NM_001164508.2(NEB):c.17119-21_17119-5del

Gene: NEB (nebulin; minus strand). Cytogenetic location: 2q23.3.
Variant type: Deletion.
Coding change: c.17119-21_17119-5del on transcript NM_001164508.2 (MANE Select); 21 bases into the intron before coding-DNA position 17119 through 5 bases into the intron before coding-DNA position 17119, 17 bases deleted (GCTTTATTTTTGCATCT).
Molecular consequence: intron variant.
Genome position (GRCh38, 1-based): chr2:151,570,397-151,570,413, AGATGCAAAAATAAAGC deleted on the plus strand (GCTTTATTTTTGCATCT on the coding strand, the reverse complement: NEB is on the minus strand); deleting any 17 consecutive bases within chr2:151,570,397-151,570,418 gives the same sequence; the c. name uses the placement nearest the transcript's 3' end. VCF-style (leftmost placement, unchanged base first): chr2-151570396-GAGATGCAAAAATAAAGC-G. GRCh37 (hg19) VCF-style: chr2-152426910-GAGATGCAAAAATAAAGC-G.
Other names: c.12016-21_12016-5del (NM_004543.5); c.17119-21_17119-5del (NM_001164507.2, NM_001271208.2).
Identifiers: ClinVar variation 1398145 (VCV001398145.6), dbSNP rs2153759284, ClinGen allele CA2573133215.